The following is an entry in ClinVar:

ClinVar aggregate classification (germline): Likely pathogenic. Review status: criteria provided, multiple submitters, no conflicts (2 of 4 stars). 3 submissions from 3 submitters: Likely pathogenic (3). Last evaluated 2025-08-14.

Conditions:
CNGB1-related disorder. Also called: CNGB1-related condition.
Retinitis pigmentosa 45 (RP45). Identifiers: Orphanet 791, MedGen C3151066, MONDO:0013413, OMIM 613767.

Allele frequency attached by ClinVar (database versions not stated): gnomAD exomes below 0.00001; ExAC 0.00001; TOPMed 0.00001.
gnomAD v4.1: 2 of 1,613,810 alleles (0.00012%); highest among the groups gnomAD compares: African/African-American, 0.0027%; no homozygotes.

Submissions (3):

Labcorp Genetics (formerly Invitae), Labcorp
Classification: Likely pathogenic. Last evaluated: 2025-08-14. Review status: criteria provided, single submitter. Criteria: Invitae Variant Classification Sherloc (09022015). Collection method: clinical testing. Allele origin: germline.
Comment: This sequence change affects a donor splice site in intron 24 of the CNGB1 gene. It is expected to disrupt RNA splicing. Variants that disrupt the donor or acceptor splice site typically lead to a loss of protein function (PMID: 16199547), and loss-of-function variants in CNGB1 are known to be pathogenic (PMID: 15557452, 24043777). This variant is present in population databases (rs756239195, gnomAD 0.007%). Disruption of this splice site has been observed in individual(s) with clinical features of retinitis pigmentosa (internal data). ClinVar contains an entry for this variant (Variation ID: 1494327). Algorithms developed to predict the effect of sequence changes on RNA splicing suggest that this variant may disrupt the consensus splice site. In summary, the currently available evidence indicates that the variant is pathogenic, but additional data are needed to prove that conclusively. Therefore, this variant has been classified as Likely Pathogenic.

Fulgent Genetics
Classification: Likely pathogenic for Retinitis pigmentosa 45. Last evaluated: 2024-02-19. Review status: criteria provided, single submitter. Criteria: ACMG Guidelines, 2015. Collection method: clinical testing. Allele origin: germline.

Blueprint Genetics
Classification: Likely pathogenic for CNGB1-related disorders. Last evaluated: 2019-09-27. Review status: criteria provided, single submitter. Criteria: ACMG Guidelines, 2015. Collection method: clinical testing. Allele origin: germline. Affected: yes. Observed: 1 variant allele.

Literature cited by the submitters: PubMed 16199547 (cited by Labcorp Genetics (formerly Invitae), Labcorp); PubMed 15557452 (cited by Labcorp Genetics (formerly Invitae), Labcorp); PubMed 24043777 (cited by Labcorp Genetics (formerly Invitae), Labcorp).

NM_001297.5(CNGB1):c.2369+1G>A

Gene: CNGB1 (cyclic nucleotide gated channel subunit beta 1; minus strand). Cytogenetic location: 16q21.
Variant type: single nucleotide variant.
Coding change: c.2369+1G>A on transcript NM_001297.5 (MANE Select); the canonical splice donor site of the intron after coding-DNA position 2369, G replaced by A.
Molecular consequence: splice donor variant.
Genome position (GRCh38, 1-based): chr16:57,912,929, C>T on the plus strand (G>A on the coding strand, the complement: CNGB1 is on the minus strand). VCF-style: chr16-57912929-C-T. GRCh37 (hg19) VCF-style: chr16-57946833-C-T.
Other names: c.2351+1G>A (NM_001286130.2).
Identifiers: ClinVar variation 1494327 (VCV001494327.10), dbSNP rs756239195, ClinGen allele CA8083048.